The following is an entry in ClinVar:

ClinVar aggregate classification (germline): Benign/Likely benign. Review status: criteria provided, multiple submitters, no conflicts (2 of 4 stars). 5 submissions from 5 submitters: Benign (1); Likely benign (4). Last evaluated 2024-10-29.

Conditions:
Hereditary cancer-predisposing syndrome. Also called: Neoplastic Syndromes, Hereditary; Tumor predisposition; Hereditary neoplastic syndrome; Hereditary Cancer Syndrome. Identifiers: Orphanet 140162, MedGen C0027672, MeSH D009386, MONDO:0015356.
Familial cancer of breast. Also called: BREAST CANCER, FAMILIAL; Hereditary breast cancer; hereditary breast carcinoma. Identifiers: Orphanet 227535, MedGen C0346153, MONDO:0016419, OMIM 114480. Disease mechanism: loss of function.

Allele frequency attached by ClinVar (database versions not stated): gnomAD 0.00001.
gnomAD v4.1: 1 of 1,613,774 alleles (0.000062%); highest among the groups gnomAD compares: African/African-American, 0.0013%; no homozygotes.

Submissions (5):

Labcorp Genetics (formerly Invitae), Labcorp
Classification: Likely benign for Familial cancer of breast. Last evaluated: 2024-10-29. Review status: criteria provided, single submitter. Criteria: Invitae Variant Classification Sherloc (09022015). Collection method: clinical testing. Allele origin: germline.

Myriad Genetics, Inc.
Classification: Benign for Familial cancer of breast. Last evaluated: 2024-07-29. Review status: criteria provided, single submitter. Criteria: Myriad Autosomal Dominant, Autosomal Recessive and X-Linked Classification Criteria (2023). Collection method: clinical testing. Allele origin: unknown.
Comment: This variant is considered benign. This variant is a silent/synonymous amino acid change and it is not expected to impact splicing.

Ambry Genetics
Classification: Likely benign for Hereditary cancer-predisposing syndrome. Last evaluated: 2020-12-02. Review status: criteria provided, single submitter. Criteria: Ambry Variant Classification Scheme 2023. Collection method: clinical testing. Allele origin: germline.

Color Diagnostics, LLC DBA Color Health
Classification: Likely benign for Hereditary cancer-predisposing syndrome. Last evaluated: 2019-10-11. Review status: criteria provided, single submitter. Criteria: ACMG Guidelines, 2015. Collection method: clinical testing. Allele origin: germline.

GeneDx
Classification: Likely benign. Last evaluated: 2018-06-14. Review status: criteria provided, single submitter. Criteria: GeneDx Variant Classification (06012015). Collection method: clinical testing. Allele origin: germline. Affected: yes.
Comment: This variant is considered likely benign or benign based on one or more of the following criteria: it is a conservative change, it occurs at a poorly conserved position in the protein, it is predicted to be benign by multiple in silico algorithms, and/or has population frequency not consistent with disease.

NM_000465.4(BARD1):c.1881A>C (p.Gly627=)

Gene: BARD1 (BRCA1 associated RING domain 1; minus strand). Cytogenetic location: 2q35.
Variant type: single nucleotide variant.
Coding change: c.1881A>C on transcript NM_000465.4 (MANE Select); coding-DNA position 1881, A replaced by C.
Protein change: p.Gly627=; no amino-acid change (glycine 627 retained).
Molecular consequence: synonymous variant. On other transcripts: non-coding transcript variant (3), intron variant (1).
Genome position (GRCh38, 1-based): chr2:214,745,089, T>G on the plus strand (A>C on the coding strand, the complement: BARD1 is on the minus strand). VCF-style: chr2-214745089-T-G. GRCh37 (hg19) VCF-style: chr2-215609813-T-G.
Other names: c.1824A>C, p.Gly608= (NM_001282543.2); c.528A>C, p.Gly176= (NM_001282545.2); c.471A>C, p.Gly157= (NM_001282548.2); c.365-14581A>C (NM_001282549.2).
Identifiers: ClinVar variation 672309 (VCV000672309.16), dbSNP rs968535447, ClinGen allele CA431144876.